The following is an entry in ClinVar:

ClinVar aggregate classification (germline): Uncertain significance (1 of 4 stars; one submission).

Conditions:
Vici syndrome (VICIS). Identifiers: Orphanet 1493, MedGen C1855772, MONDO:0009452, OMIM 242840.

Submission:

Labcorp Genetics (formerly Invitae), Labcorp
Classification: Uncertain significance for Vici syndrome. Last evaluated: 2023-04-13. Review status: criteria provided, single submitter. Criteria: Invitae Variant Classification Sherloc (09022015). Collection method: clinical testing. Allele origin: germline.
Comment: In summary, the available evidence is currently insufficient to determine the role of this variant in disease. Therefore, it has been classified as a Variant of Uncertain Significance. Advanced modeling of protein sequence and biophysical properties (such as structural, functional, and spatial information, amino acid conservation, physicochemical variation, residue mobility, and thermodynamic stability) performed at Invitae indicates that this missense variant is not expected to disrupt EPG5 protein function. This variant has not been reported in the literature in individuals affected with EPG5-related conditions. This variant is not present in population databases (gnomAD no frequency). This sequence change replaces lysine, which is basic and polar, with asparagine, which is neutral and polar, at codon 1121 of the EPG5 protein (p.Lys1121Asn).

NM_020964.3(EPG5):c.3363G>T (p.Lys1121Asn)

Gene: EPG5 (ectopic P-granules 5 autophagy tethering factor; minus strand). Cytogenetic location: 18q21.1.
Variant type: single nucleotide variant.
Coding change: c.3363G>T on transcript NM_020964.3 (MANE Select); coding-DNA position 3363, G replaced by T.
Protein change: p.Lys1121Asn; replaces lysine 1121 with asparagine.
Molecular consequence: missense variant.
Genome position (GRCh38, 1-based): chr18:45,916,459, C>A on the plus strand (G>T on the coding strand, the complement: EPG5 is on the minus strand). VCF-style: chr18-45916459-C-A. GRCh37 (hg19) VCF-style: chr18-43496424-C-A.
Other names: c.3363G>T, p.Lys1121Asn (NM_001410858.1, NM_001410859.1); short protein forms K1121N.
Identifiers: ClinVar variation 2804152 (VCV002804152.3), dbSNP rs777267935, ClinGen allele CA402342902.